The following is an entry in ClinVar:

ClinVar aggregate classification (germline): Pathogenic (1 of 4 stars; one submission).

Submission:

Labcorp Genetics (formerly Invitae), Labcorp
Classification: Pathogenic. Last evaluated: 2019-01-15. Review status: criteria provided, single submitter. Criteria: Invitae Variant Classification Sherloc (09022015). Collection method: clinical testing. Allele origin: germline.
Comment: This variant has not been reported in the literature in individuals with BCL11A-related conditions. For these reasons, this variant has been classified as Pathogenic. This variant disrupts the C-terminus of the BCL11A protein. Other variants that disrupt this region (p.Ser679Glnfs*47, p.Glu593Glyfs*9) have been determined to be pathogenic (PMID: 27453576). This suggests that variants that disrupt this region of the protein are likely to be causative of disease. Experimental studies and prediction algorithms are not available for this variant, and the functional significance of the affected amino acid(s) is currently unknown. This variant is not present in population databases (ExAC no frequency). This sequence change results in a premature translational stop signal in the BCL11A gene (p.Pro362Glyfs*216). While this is not anticipated to result in nonsense mediated decay, it is expected to disrupt the last 216 amino acids of the BCL11A protein.

Literature cited by the submitters: PubMed 27453576.

NM_022893.4(BCL11A):c.1065_1083dup (p.Pro362fs)

Gene: BCL11A (BCL11 transcription factor A; minus strand). Cytogenetic location: 2p16.1.
Variant type: Duplication.
Coding change: c.1065_1083dup on transcript NM_022893.4 (MANE Select); coding-DNA positions 1065 to 1083, 19 bases duplicated (GGCGACGCCCCCCCTCCCT).
Protein change: p.Pro362fs; shifts the reading frame from proline 362.
Molecular consequence: frameshift variant. On other transcripts: intron variant (1).
Genome position (GRCh38, 1-based): chr2:60,461,829-60,461,847, AGGGAGGGGGGGCGTCGCC duplicated on the plus strand (GGCGACGCCCCCCCTCCCT on the coding strand, the reverse complement: BCL11A is on the minus strand); duplicating any 19 consecutive bases within chr2:60,461,829-60,461,850 gives the same sequence; the c. name uses the placement nearest the transcript's 3' end. VCF-style (leftmost placement, unchanged base first): chr2-60461828-G-GAGGGAGGGGGGGCGTCGCC. GRCh37 (hg19) VCF-style: chr2-60688963-G-GAGGGAGGGGGGGCGTCGCC.
Other names: c.963_981dup, p.Pro328fs (NM_001363864.1, NM_001365609.1); c.1065_1083dup, p.Pro362fs (NM_018014.4); c.630+435_630+453dup (NM_138559.2); short protein forms P362fs, P328fs.
Identifiers: ClinVar variation 834294 (VCV000834294.10), dbSNP rs1676315050, ClinGen allele CA916082532.